The following is an entry in ClinVar:

NM_024675.4(PALB2):c.1103del (p.Asn368fs)

Gene: PALB2 (partner and localizer of BRCA2; minus strand). Cytogenetic location: 16p12.2.
Variant type: Deletion.
Coding change: c.1103del on transcript NM_024675.4 (MANE Select); coding-DNA position 1103, one base deleted (A; older notation c.1103delA).
Protein change: p.Asn368fs; shifts the reading frame from asparagine 368.
Molecular consequence: frameshift variant.
Genome position (GRCh38, 1-based): chr16:23,635,443, T deleted on the plus strand (A on the coding strand, the reverse complement: PALB2 is on the minus strand); the first of 4 consecutive T bases (chr16:23,635,443-23,635,446); deleting any one gives the same sequence. VCF-style (leftmost placement, unchanged base first): chr16-23635442-AT-A. GRCh37 (hg19) VCF-style: chr16-23646763-AT-A.
Other names: c.1103delA (NM_024675.3); short protein forms N368fs.
Identifiers: ClinVar variation 548840 (VCV000548840.7), dbSNP rs1555461451, ClinGen allele CA658823899.

ClinVar aggregate classification (germline): Pathogenic. Review status: criteria provided, multiple submitters, no conflicts (2 of 4 stars). 3 submissions from 3 submitters: Pathogenic (2). 1 of the submissions does not count toward it. Last evaluated 2026-07-23.

Conditions:
Familial cancer of breast. Also called: Hereditary breast cancer; hereditary breast carcinoma; BREAST CANCER, FAMILIAL. Identifiers: Orphanet 227535, MedGen C0346153, MONDO:0016419, OMIM 114480. Disease mechanism: loss of function.
Hereditary cancer-predisposing syndrome. Also called: Hereditary Cancer Syndrome; Tumor predisposition; Hereditary neoplastic syndrome; Neoplastic Syndromes, Hereditary. Identifiers: Orphanet 140162, MedGen C0027672, MeSH D009386, MONDO:0015356.

Submissions (3):

Ambry Genetics
Classification: Pathogenic for Hereditary cancer-predisposing syndrome. Last evaluated: 2026-07-23. Review status: criteria provided, single submitter. Criteria: Ambry Variant Classification Scheme 2023. Collection method: clinical testing. Allele origin: germline.
Comment: The c.1103delA pathogenic mutation, located in coding exon 4 of the PALB2 gene, results from a deletion of one nucleotide at nucleotide position 1103, causing a translational frameshift with a predicted alternate stop codon (p.N368Ifs*8). This variant is considered to be rare based on population cohorts in the Genome Aggregation Database (gnomAD). This alteration is expected to result in loss of function by premature protein truncation or nonsense-mediated mRNA decay. As such, this alteration is interpreted as a disease-causing mutation.

Color Diagnostics, LLC DBA Color Health
Classification: Pathogenic for Hereditary cancer-predisposing syndrome. Last evaluated: 2020-01-15. Review status: criteria provided, single submitter. Criteria: ACMG Guidelines, 2015. Collection method: clinical testing. Allele origin: germline.
Comment: This variant deletes 1 nucleotide in exon 4 of the PALB2 gene, creating a frameshift and premature translation stop signal. This variant is expected to result in an absent or non-functional protein product. This variant has not been identified in the general population by the Genome Aggregation Database (gnomAD). Loss of PALB2 function is a known mechanism of disease. Based on the available evidence, this variant is classified as Pathogenic.

Counsyl
Classification: Likely pathogenic for Familial cancer of breast. Last evaluated: 2018-01-08. Review status: no assertion criteria provided. Collection method: clinical testing. Allele origin: unknown. Not counted in ClinVar's aggregate classification.